The following is an entry in ClinVar:

ClinVar aggregate classification (germline): Pathogenic. Review status: criteria provided, multiple submitters, no conflicts (2 of 4 stars). 7 submissions from 7 submitters: Pathogenic (6). 1 of the submissions does not count toward it. Last evaluated 2026-10-29.

Conditions:
Congenital myasthenic syndrome (CMS). Also called: Congenital Myasthenic Syndromes. Identifiers: Orphanet 590, MedGen C0751882, MeSH D020294, MONDO:0018940.
Congenital myasthenic syndrome 5. Identifiers: Orphanet 590, MedGen C1864233, MONDO:0011281, OMIM 603034.

Submissions (7):

Department of Molecular Genetics, Istishari Arab Hospital
Classification: Pathogenic for Congenital myasthenic syndrome 5. Last evaluated: 2026-10-29. Review status: criteria provided, single submitter. Criteria: ACMG Guidelines, 2015. Collection method: clinical testing. Allele origin: germline. Inheritance: Autosomal recessive inheritance. Affected: no.
Comment: The COLQ variant c.893del p.(Asn298Metfs*2) creates a shift in the reading frame starting at codon 298 in exon no. 13 (of 17). According to HGMD Professional 2023.3, this variant has previously been described as disease-causing for Endplate acetylcholinesterase deficiency (PMID:22678886, 28024842). It is classified as pathogenic according to the recommendations of the ACMG/AMP/ClinGen SVI guidelines.

3billion
Classification: Pathogenic for Congenital myasthenic syndrome 5. Last evaluated: 2025-09-16. Review status: criteria provided, single submitter. Criteria: ACMG Guidelines, 2015. Collection method: clinical testing. Allele origin: germline. Affected: yes.
Comment: The variant is not observed in the gnomAD v4.1.0 dataset. Predicted Consequence/Location: Frameshift: predicted to result in a loss or disruption of normal protein function through nonsense-mediated decay (NMD) or protein truncation. Multiple pathogenic variants are reported downstream of the variant. The variant has been reported to be in trans with a pathogenic variant as either compound heterozygous or homozygous in at least one similarly affected unrelated individual (PMID: 22678886). The variant has been reported at least twice as pathogenic with clinical assertions and evidence for the classification (ClinVar ID: VCV001448843 /PMID: 22678886). Therefore, this variant is classified as Pathogenic according to the recommendation of ACMG/AMP guideline.

GeneDx
Classification: Pathogenic. Last evaluated: 2025-04-01. Review status: criteria provided, single submitter. Criteria: GeneDx Variant Classification Process June 2021. Collection method: clinical testing. Allele origin: germline. Affected: yes.
Comment: Frameshift variant predicted to result in protein truncation or nonsense mediated decay in a gene for which loss of function is a known mechanism of disease; Not observed at significant frequency in large population cohorts (gnomAD); This variant is associated with the following publications: (PMID: 28024842, 22678886)

Baylor Genetics
Classification: Pathogenic for Congenital myasthenic syndrome 5. Last evaluated: 2023-06-22. Review status: criteria provided, single submitter. Criteria: ACMG Guidelines, 2015. Collection method: clinical testing. Allele origin: unknown.

Labcorp Genetics (formerly Invitae), Labcorp
Classification: Pathogenic for Congenital myasthenic syndrome 5. Last evaluated: 2022-02-03. Review status: criteria provided, single submitter. Criteria: Invitae Variant Classification Sherloc (09022015). Collection method: clinical testing. Allele origin: germline.
Comment: This sequence change creates a premature translational stop signal (p.Asn298Metfs*2) in the COLQ gene. It is expected to result in an absent or disrupted protein product. Loss-of-function variants in COLQ are known to be pathogenic (PMID: 22678886). This variant is not present in population databases (gnomAD no frequency). For these reasons, this variant has been classified as Pathogenic. This premature translational stop signal has been observed in individuals with congenital myasthenic syndrome (PMID: 22678886, 28024842).

Rady Children's Institute for Genomic Medicine, Rady Children's Hospital San Diego
Classification: Pathogenic for MYASTHENIC SYNDROME, CONGENITAL, 5. Review status: criteria provided, single submitter. Criteria: ACMG Guidelines, 2015. Collection method: clinical testing. Allele origin: germline. Affected: yes.
Comment: This frameshifting variant in exon 13 of 17 introduces a premature stop codon and is therefore predicted to result in loss of normal protein function through either protein truncation or nonsense-mediated mRNA decay (NMD). This variant has been previously reported as a homozygous change in patients with congenital myasthenic syndrome (PMID: 28024842). The c.893del (p.Asn298MetfsTer2) variant is absent from the gnomAD population database and thus is presumed to be rare. Based on the available evidence, the c.893del (p.Asn298MetfsTer2) variant is classified as Pathogenic.

Department of Molecular Biology and Genetics, Al-Quds University
Classification: Likely pathogenic for Congenital myasthenic syndrome. Last evaluated: 2025-01-16. Review status: no assertion criteria provided. Collection method: clinical testing. Allele origin: inherited. Affected: yes. Observed: 16 variant alleles. Not counted in ClinVar's aggregate classification.
Comment: Because this frameshifting variation in exon 13 of 17 produces an early stop codon, it is anticipated that either protein truncation or nonsense-mediated mRNA decay (NMD) will cause the loss of normal protein function. This variant is not present in population databases (gnomAD no frequency). The most common symptoms that were observed in patients with this variant are ptosis, muscle weakness and recurrent respiratory infections.

Literature cited by the submitters: PubMed 22678886 (cited by 3 submitters); PubMed 28024842 (cited by Department of Molecular Genetics, Istishari Arab Hospital and Labcorp Genetics (formerly Invitae), Labcorp).

NM_005677.4(COLQ):c.893del (p.Asn298fs)

Gene: COLQ (collagen like tail subunit of asymmetric acetylcholinesterase; minus strand). Cytogenetic location: 3p25.1.
Variant type: Deletion.
Coding change: c.893del on transcript NM_005677.4 (MANE Select); coding-DNA position 893, one base deleted (A; older notation c.893delA).
Protein change: p.Asn298fs; shifts the reading frame from asparagine 298.
Molecular consequence: frameshift variant.
Genome position (GRCh38, 1-based): chr3:15,458,247, T deleted on the plus strand (A on the coding strand, the reverse complement: COLQ is on the minus strand); the first of 2 consecutive T bases (chr3:15,458,247-15,458,248); deleting either gives the same sequence. VCF-style (leftmost placement, unchanged base first): chr3-15458246-AT-A. GRCh37 (hg19) VCF-style: chr3-15499753-AT-A.
Other names: p.Asn298Metfs*2; c.892delA (NM_005677.4); c.863del, p.Asn288fs (NM_080538.2); c.791del, p.Asn264fs (NM_080539.4); short protein forms N264fs, N288fs, N298fs.
Identifiers: ClinVar variation 1448843 (VCV001448843.13), dbSNP rs2125089093, ClinGen allele CA2573136193.